The following is an entry in ClinVar:

NM_000179.3(MSH6):c.3977T>C (p.Met1326Thr)

Gene: MSH6 (mutS homolog 6; plus strand). Cytogenetic location: 2p16.3.
Variant type: single nucleotide variant.
Coding change: c.3977T>C on transcript NM_000179.3 (MANE Select); coding-DNA position 3977, T replaced by C.
Protein change: p.Met1326Thr; replaces methionine 1326 with threonine.
Molecular consequence: missense variant.
Genome position (GRCh38, 1-based): chr2:47,806,627, T>C. VCF-style: chr2-47806627-T-C. GRCh37 (hg19) VCF-style: chr2-48033766-T-C.
Other names: c.3587T>C, p.Met1196Thr (NM_001281492.2); c.3071T>C, p.Met1024Thr (NM_001281493.2, NM_001281494.2); short protein forms M1326T, M1024T, M1196T.
Identifiers: ClinVar variation 419537 (VCV000419537.18), dbSNP rs757089977, ClinGen allele CA072409.

ClinVar aggregate classification (germline): Conflicting classifications of pathogenicity. Review status: criteria provided, conflicting classifications (1 of 4 stars). 5 submissions from 5 submitters: Uncertain significance (4); Benign (1). Last evaluated 2026-01-04.

Conditions:
Hereditary nonpolyposis colorectal neoplasms. Identifiers: MedGen C0009405, MeSH D003123.
Hereditary cancer-predisposing syndrome. Also called: Hereditary neoplastic syndrome; Tumor predisposition; Neoplastic Syndromes, Hereditary; Hereditary Cancer Syndrome. Identifiers: Orphanet 140162, MedGen C0027672, MeSH D009386, MONDO:0015356.
Lynch syndrome. Identifiers: Orphanet 144, MedGen C4552100, MONDO:0005835. Disease mechanism: loss of function.

Allele frequency attached by ClinVar (database versions not stated): gnomAD exomes below 0.00001; ExAC 0.00001; TOPMed 0.00001.

Submissions (5):

Labcorp Genetics (formerly Invitae), Labcorp
Classification: Benign for Hereditary nonpolyposis colorectal neoplasms. Last evaluated: 2026-01-04. Review status: criteria provided, single submitter. Criteria: Invitae Variant Classification Sherloc (09022015). Collection method: clinical testing. Allele origin: germline.

Ambry Genetics
Classification: Uncertain significance for Hereditary cancer-predisposing syndrome. Last evaluated: 2024-11-18. Review status: criteria provided, single submitter. Criteria: Ambry Variant Classification Scheme 2023. Collection method: clinical testing. Allele origin: germline.
Comment: The p.M1326T variant (also known as c.3977T>C), located in coding exon 9 of the MSH6 gene, results from a T to C substitution at nucleotide position 3977. The methionine at codon 1326 is replaced by threonine, an amino acid with similar properties. This amino acid position is not well conserved in available vertebrate species. In addition, this alteration is predicted to be tolerated by in silico analysis. Since supporting evidence is limited at this time, the clinical significance of this alteration remains unclear.

Quest Diagnostics Nichols Institute San Juan Capistrano
Classification: Uncertain significance. Last evaluated: 2024-08-12. Review status: criteria provided, single submitter. Criteria: Quest Diagnostics criteria. Collection method: clinical testing. Allele origin: unknown.
Comment: The MSH6 c.3977T>C (p.Met1326Thr) variant has not been reported in individuals with MSH6-related conditions in the published literature. The frequency of this variant in the general population, 0.000004 (1/247110 chromosomes (Genome Aggregation Database)), is uninformative in the assessment of its pathogenicity. Analysis of this variant using bioinformatics tools for the prediction of the effect of amino acid changes on protein structure and function yielded predictions that this variant is benign. Based on the available information, we are unable to determine the clinical significance of this variant.

All of Us Research Program, National Institutes of Health
Classification: Uncertain significance for Lynch syndrome. Last evaluated: 2023-04-27. Review status: criteria provided, single submitter. Criteria: ACMG Guidelines, 2015. Collection method: clinical testing. Allele origin: germline. Inheritance: Autosomal dominant inheritance. Observed: 1 variant allele, 1 heterozygote.
Comment: This study involves interpretation of variants in research participants for the purpose of population health screening. Participant phenotype was not available at the time of variant classification. Additional details can be found in publication PMID: 35346344, PMCID: PMC8962531

GeneDx
Classification: Uncertain significance. Last evaluated: 2015-07-23. Review status: criteria provided, single submitter. Criteria: GeneDx Variant Classification (06012015). Collection method: clinical testing. Allele origin: germline. Affected: yes.
Comment: This variant is denoted MSH6 c.3977T>C at the cDNA level, p.Met1326Thr (M1326T) at the protein level, and results in the change of a Methionine to a Threonine (ATG>ACG). This variant has not, to our knowledge, been published in the literature as pathogenic or benign. MSH6 Met1326Thr was not observed in approximately 6,500 individuals of European and African American ancestry in the NHLBI Exome Sequencing Project, indicating it is not a common benign variant in these populations. Since Methionine and Threonine differ in polarity, charge, size or other properties, this is considered a non-conservative amino acid substitution. MSH6 Met1326Thr occurs at a position that is not conserved and is located in the MutS domain V (Terui 2013). A published in silico algorithm predicted this variant to be of uncertain significance, and in house in silico analyses are inconsistent regarding the effect this variant may have on protein structure and function (Terui 2013). Based on currently available information, it is unclear whether MSH6 Met1326Thr is pathogenic or benign. We consider it to be a variant of uncertain significance.

Literature cited by the submitters: PubMed 23621914 (cited by Quest Diagnostics Nichols Institute San Juan Capistrano); PubMed 23359684 (cited by Quest Diagnostics Nichols Institute San Juan Capistrano).